The following is an entry in ClinVar:

NM_006846.4(SPINK5):c.1093-5G>A

Gene: SPINK5 (serine peptidase inhibitor Kazal type 5; plus strand). Cytogenetic location: 5q32.
Variant type: single nucleotide variant.
Coding change: c.1093-5G>A on transcript NM_006846.4 (MANE Select); 5 bases into the intron before coding-DNA position 1093, G replaced by A.
Molecular consequence: intron variant.
Genome position (GRCh38, 1-based): chr5:148,100,449, G>A. VCF-style: chr5-148100449-G-A. GRCh37 (hg19) VCF-style: chr5-147480012-G-A.
Other names: c.1093-5G>A (NM_001127698.2, NM_001127699.2).
Identifiers: ClinVar variation 2192699 (VCV002192699.1), dbSNP rs764183319, ClinGen allele CA3495479.

ClinVar aggregate classification (germline): Uncertain significance (1 of 4 stars; one submission).

Conditions:
Netherton syndrome (NETH). Also called: NETHERTON DISEASE; ERYTHRODERMA, ICHTHYOSIFORM, WITH HYPOTRICHOSIS AND HYPER-IgE; COMEL-NETHERTON SYNDROME. Identifiers: Orphanet 634, MedGen C5574950, MONDO:0009735, OMIM 256500.

Allele frequency attached by ClinVar (database versions not stated): gnomAD 0.00001; ExAC 0.00002; TOPMed 0.00002; gnomAD exomes 0.00003.
gnomAD v4.1: 38 of 1,610,564 alleles (0.0024%); highest among the groups gnomAD compares: South Asian, 0.0099%; 1 homozygote.

Submission:

Labcorp Genetics (formerly Invitae), Labcorp
Classification: Uncertain significance for Ichthyosis linearis circumflexa. Last evaluated: 2022-07-06. Review status: criteria provided, single submitter. Criteria: Invitae Variant Classification Sherloc (09022015). Collection method: clinical testing. Allele origin: germline.
Comment: This sequence change falls in intron 12 of the SPINK5 gene. It does not directly change the encoded amino acid sequence of the SPINK5 protein. This variant is present in population databases (rs764183319, gnomAD 0.02%). This variant has not been reported in the literature in individuals affected with SPINK5-related conditions. Algorithms developed to predict the effect of sequence changes on RNA splicing suggest that this variant may create or strengthen a splice site. In summary, the available evidence is currently insufficient to determine the role of this variant in disease. Therefore, it has been classified as a Variant of Uncertain Significance.